The following is an entry in ClinVar:

ClinVar aggregate classification (germline): Uncertain significance. Review status: criteria provided, multiple submitters, no conflicts (2 of 4 stars). 2 submissions from 2 submitters: Uncertain significance (2). Last evaluated 2024-12-21.

Conditions:
Coffin-Siris syndrome 1 (CSS1). Also called: Mental retardation, autosomal dominant 12; ARID1B-Related Coffin-Siris Syndrome. Identifiers: Orphanet 1465, MedGen C3281201, MONDO:0007617, OMIM 135900. Disease mechanism: gain of function.

Submissions (2):

GeneDx
Classification: Uncertain significance. Last evaluated: 2024-12-21. Review status: criteria provided, single submitter. Criteria: GeneDx Variant Classification Process June 2021. Collection method: clinical testing. Allele origin: germline. Affected: yes.
Comment: In-frame deletion of 2 amino acids in a non-repeat region; In silico analysis indicates that this variant does not alter protein structure/function; Has not been previously published as pathogenic or benign to our knowledge

New York Genome Center
Classification: Uncertain significance for Coffin-Siris syndrome 1. Last evaluated: 2021-05-21. Review status: criteria provided, single submitter. Criteria: NYGC Assertion Criteria 2020. Collection method: clinical testing. Allele origin: germline. Observed: 1 heterozygote. Study: CSER-NYCKidSeq.
Comment: The c.1057_1062del (p.Ser353_Ala354del) variant identified in the ARID1B gene is the deletion of 6 nucleotides resulting in the in-frame deletion of two amino acids 353-354/2320 (exon 1/19). This variant is absent from gnomAD(v3.1.1) suggesting it is not a common benign variant in the populations represented in that database, although there is a similar in-frame deletion variant present there at low frequency (p.Ser353_Ala355del; allele frequency: 2.02e-5). This variant is absent from ClinVar and to our current knowledge has not been reported in affected individuals in the literature. The p.Ser353 and p.Ala354 residues are not within a mapped domain of ARID1B (UniProtKB:Q8NFD5). Given the lack of compelling evidence for its pathogenicity, the c.1057_1062del (p.Ser353_Ala354del) variant identified in the ARID1B gene is reported as a Variant of Uncertain Significance.

NM_001374828.1(ARID1B):c.1051TCCGCC[1] (p.351SA[1])

Gene: ARID1B (AT-rich interaction domain 1B; plus strand). Cytogenetic location: 6q25.3.
Variant type: Microsatellite.
Coding change: c.1051TCCGCC[1] on transcript NM_001374828.1 (MANE Select); one copy of the 6-base unit TCCGCC starting at c.1051; the reference has two copies in a row; one copy, 6 bases deleted.
Protein change: p.351SA[1].
Molecular consequence: inframe deletion.
Genome position (GRCh38, 1-based): chr6:156,778,737-156,778,742, TCCGCC deleted; deleting any 6 consecutive bases within chr6:156,778,730-156,778,742 gives the same sequence; the position shown is the placement nearest the transcript's 3' end. VCF-style (leftmost placement, unchanged base first): chr6-156778729-ACTCCGC-A. GRCh37 (hg19) VCF-style: chr6-157099863-ACTCCGC-A.
Other names: c.808_813del (NM_020732.3); c.1057_1062del (NM_017519.3); c.1051TCCGCC[1], p.351SA[1] (NM_001371656.1, NM_001374820.1, NM_017519.3).
Identifiers: ClinVar variation 1679742 (VCV001679742.2), dbSNP rs1562376911, ClinGen allele CA571907168.
Genomic context (GRCh38, chr6:156,778,729, plus strand): 5'-GCGCTGGGCCTTGCTTTGATCAACATGGCGGACAACAAAGCCCCGGGATGGGGATGATGC[ACTCCGC>A]CTCCGCCGCCGCCGCCGGGGCCCCCGGCAGCATGGACCCCCTGCAGAACTCCCACGAAGG-3'